The following is an entry in ClinVar:

NM_198252.3(GSN):c.469G>A (p.Glu157Lys)

Gene: GSN (gelsolin; plus strand). Cytogenetic location: 9q33.2.
Variant type: single nucleotide variant.
Coding change: c.469G>A on transcript NM_198252.3 (MANE Select); coding-DNA position 469, G replaced by A.
Protein change: p.Glu157Lys; replaces glutamic acid 157 with lysine.
Molecular consequence: missense variant. On other transcripts: 5 prime UTR variant (1).
Genome position (GRCh38, 1-based): chr9:121,310,801, G>A. VCF-style: chr9-121310801-G-A. GRCh37 (hg19) VCF-style: chr9-124073079-G-A.
Other names: c.622G>A (NM_000177.4); c.622G>A, p.Glu208Lys (NM_000177.5); c.469G>A, p.Glu157Lys (NM_001127662.2, NM_001127664.2, NM_001127665.2 and 10 more transcripts); c.577G>A, p.Glu193Lys (NM_001127663.2); c.502G>A, p.Glu168Lys (NM_001127666.2, NM_001353063.2, NM_001353064.2 and 13 more transcripts); c.541G>A, p.Glu181Lys (NM_001353076.2); c.-186G>A (NM_001353078.2); c.520G>A, p.Glu174Lys (NM_001258029.2); and 1 more; short protein forms E168K, E181K, E157K, E174K, E193K, E208K, E165K.
Identifiers: ClinVar variation 3018645 (VCV003018645.4), dbSNP rs2061031275, ClinGen allele CA374739197.

ClinVar aggregate classification (germline): Uncertain significance. Review status: criteria provided, multiple submitters, no conflicts (2 of 4 stars). 2 submissions from 2 submitters: Uncertain significance (2). Last evaluated 2025-12-22.

Conditions:
GSN-related disorder. Also called: GSN-related condition.

Allele frequency attached by ClinVar (database versions not stated): gnomAD 0.00001; gnomAD exomes 0.00001; TOPMed 0.00001.
gnomAD v4.1: 7 of 1,614,032 alleles (0.00043%); highest among the groups gnomAD compares: African/African-American, 0.0013%; no homozygotes.

Submissions (2):

Labcorp Genetics (formerly Invitae), Labcorp
Classification: Uncertain significance. Last evaluated: 2025-12-22. Review status: criteria provided, single submitter. Criteria: Invitae Variant Classification Sherloc (09022015). Collection method: clinical testing. Allele origin: germline.
Comment: This sequence change replaces glutamic acid, which is acidic and polar, with lysine, which is basic and polar, at codon 208 of the GSN protein (p.Glu208Lys). This variant is not present in population databases (gnomAD no frequency). This variant has not been reported in the literature in individuals affected with GSN-related conditions. ClinVar contains an entry for this variant (Variation ID: 3018645). Invitae Evidence Modeling of protein sequence and biophysical properties (such as structural, functional, and spatial information, amino acid conservation, physicochemical variation, residue mobility, and thermodynamic stability) indicates that this missense variant is not expected to disrupt GSN protein function with a negative predictive value of 80%. In summary, the available evidence is currently insufficient to determine the role of this variant in disease. Therefore, it has been classified as a Variant of Uncertain Significance.

PreventionGenetics, part of Exact Sciences
Classification: Uncertain significance for GSN-related condition. Last evaluated: 2025-05-27. Review status: criteria provided, single submitter. Criteria: ACMG Guidelines, 2015. Collection method: clinical testing. Allele origin: germline.
Comment: The GSN c.622G>A variant is predicted to result in the amino acid substitution p.Glu208Lys. To our knowledge, this variant has not been reported in the literature or in a large population database (gnomAD), indicating this variant is rare. At this time, the clinical significance of this variant is uncertain due to the absence of conclusive functional and genetic evidence.